The following is an entry in ClinVar:

NM_001330078.2(NRXN1):c.655G>A (p.Ala219Thr)

Gene: NRXN1 (neurexin 1; minus strand). Cytogenetic location: 2p16.3.
Variant type: single nucleotide variant.
Coding change: c.655G>A on transcript NM_001330078.2 (MANE Select); coding-DNA position 655, G replaced by A.
Protein change: p.Ala219Thr; replaces alanine 219 with threonine.
Molecular consequence: missense variant.
Genome position (GRCh38, 1-based): chr2:51,027,619, C>T on the plus strand (G>A on the coding strand, the complement: NRXN1 is on the minus strand). VCF-style: chr2-51027619-C-T. GRCh37 (hg19) VCF-style: chr2-51254757-C-T.
Other names: c.655G>A, p.Ala219Thr (NM_001135659.3, NM_001330077.2, NM_001330079.2 and 15 more transcripts); short protein forms A219T.
Identifiers: ClinVar variation 834929 (VCV000834929.9), dbSNP rs1376791867, ClinGen allele CA346823563.

ClinVar aggregate classification (germline): Uncertain significance (1 of 4 stars; one submission).

Conditions:
Pitt-Hopkins-like syndrome 2 (PTHSL2). Identifiers: Orphanet 221150, Orphanet 600663, MedGen C3280479, MONDO:0013690, OMIM 614325.

Allele frequency attached by ClinVar (database versions not stated): gnomAD exomes below 0.00001; gnomAD 0.00001; TOPMed 0.00001.
gnomAD v4.1: 2 of 1,587,206 alleles (0.00013%); highest among the groups gnomAD compares: African/African-American, 0.0027%; no homozygotes.

Submission:

Labcorp Genetics (formerly Invitae), Labcorp
Classification: Uncertain significance for Pitt-Hopkins-like syndrome 2. Last evaluated: 2022-06-04. Review status: criteria provided, single submitter. Criteria: Invitae Variant Classification Sherloc (09022015). Collection method: clinical testing. Allele origin: germline.
Comment: This variant is not present in population databases (gnomAD no frequency). In summary, the available evidence is currently insufficient to determine the role of this variant in disease. Therefore, it has been classified as a Variant of Uncertain Significance. Algorithms developed to predict the effect of missense changes on protein structure and function (SIFT, PolyPhen-2, Align-GVGD) all suggest that this variant is likely to be tolerated. ClinVar contains an entry for this variant (Variation ID: 834929). This variant has not been reported in the literature in individuals affected with NRXN1-related conditions. This sequence change replaces alanine, which is neutral and non-polar, with threonine, which is neutral and polar, at codon 219 of the NRXN1 protein (p.Ala219Thr).